The following is an entry in ClinVar:

ClinVar aggregate classification (germline): Benign. Review status: criteria provided, multiple submitters, no conflicts (2 of 4 stars). 3 submissions from 3 submitters: Benign (3). Last evaluated 2019-02-24.

Conditions:
Primary ciliary dyskinesia 10. Also called: CILIARY DYSKINESIA, PRIMARY, 10, WITH OR WITHOUT SITUS INVERSUS. Identifiers: Orphanet 244, MedGen C2675867, MONDO:0012918, OMIM 612518.

Allele frequency attached by ClinVar (database versions not stated): gnomAD exomes 0.00178; gnomAD 0.01884 and 0.02003; TOPMed 0.02105; 1000 Genomes Project 0.02476; 1000 Genomes Project 30x 0.02545.

Submissions (3):

GeneDx
Classification: Benign. Last evaluated: 2019-02-24. Review status: criteria provided, single submitter. Criteria: GeneDx Variant Classification Process June 2021. Collection method: clinical testing. Allele origin: germline. Affected: yes.

Illumina Laboratory Services, Illumina
Classification: Benign for Primary ciliary dyskinesia 10. Last evaluated: 2018-01-13. Review status: criteria provided, single submitter. Criteria: ICSL Variant Classification Criteria 13 December 2019. Collection method: clinical testing. Allele origin: germline.
Comment: This variant was observed in the ICSL laboratory as part of a predisposition screen in an ostensibly healthy population. It had not been previously curated by ICSL or reported in the Human Gene Mutation Database (HGMD: prior to June 1st, 2018), and was therefore a candidate for classification through an automated scoring system. Utilizing variant allele frequency, disease prevalence and penetrance estimates, and inheritance mode, an automated score was calculated to assess if this variant is too frequent to cause the disease. Based on the score and internal cut-off values, a variant classified as benign is not then subjected to further curation. The score for this variant resulted in a classification of benign for this disease.

Breakthrough Genomics
Classification: Benign. Review status: criteria provided, single submitter. Criteria: ACMG Guidelines, 2015. Collection method: not provided. Allele origin: germline. Inheritance: Autosomal recessive inheritance. Affected: yes.

NM_018139.3(DNAAF2):c.-79C>T

Gene: DNAAF2 (dynein axonemal assembly factor 2; minus strand). Cytogenetic location: 14q21.3.
Variant type: single nucleotide variant.
Coding change: c.-79C>T on transcript NM_018139.3 (MANE Select); 79 bases upstream of the start codon, C replaced by T.
Molecular consequence: 5 prime UTR variant.
Genome position (GRCh38, 1-based): chr14:49,635,228, G>A on the plus strand (C>T on the coding strand, the complement: DNAAF2 is on the minus strand). VCF-style: chr14-49635228-G-A. GRCh37 (hg19) VCF-style: chr14-50101946-G-A.
Other names: c.-79C>T (NM_001083908.2).
Identifiers: ClinVar variation 313291 (VCV000313291.8), dbSNP rs78309551, ClinGen allele CA10634922.
Genomic context (GRCh38, chr14:49,635,228, plus strand): 5'-GCCCTCGGGCCAAAGGCGATCAGTCTGACACTGGGTTGGGGGATCCGCCTCAGAGTTTCT[G>A]GGCAGCGTACAGTGACGCGGTGGAGGTCGGTAACGGCTGGAAAATTGAGCCTTGAGCAGC-3'